The following is an entry in ClinVar:

NM_001312673.2(PCYT1A):c.977G>A (p.Arg326His)

Gene: PCYT1A (phosphate cytidylyltransferase 1A, choline; minus strand). Cytogenetic location: 3q29.
Variant type: single nucleotide variant.
Coding change: c.977G>A on transcript NM_001312673.2 (MANE Select); coding-DNA position 977, G replaced by A.
Protein change: p.Arg326His; replaces arginine 326 with histidine.
Molecular consequence: missense variant.
Genome position (GRCh38, 1-based): chr3:196,238,815, C>T on the plus strand (G>A on the coding strand, the complement: PCYT1A is on the minus strand). VCF-style: chr3-196238815-C-T. GRCh37 (hg19) VCF-style: chr3-195965686-C-T.
Other names: c.977G>A, p.Arg326His (NM_005017.4); c.977G>A (NM_005017.2); short protein forms R326H.
Identifiers: ClinVar variation 1026325 (VCV001026325.6), dbSNP rs549056100, ClinGen allele CA2779375.

ClinVar aggregate classification (germline): Uncertain significance. Review status: criteria provided, multiple submitters, no conflicts (2 of 4 stars). 3 submissions from 3 submitters: Uncertain significance (3). Last evaluated 2025-08-20.

Conditions:
Inborn genetic diseases. Identifiers: MedGen C0950123, MeSH D030342.

Allele frequency attached by ClinVar (database versions not stated): TOPMed 0.00005.

Submissions (3):

Ambry Genetics
Classification: Uncertain significance for Inborn genetic diseases. Last evaluated: 2025-08-20. Review status: criteria provided, single submitter. Criteria: Ambry Variant Classification Scheme 2023. Collection method: clinical testing. Allele origin: germline.

Blueprint Genetics
Classification: Uncertain significance. Last evaluated: 2024-05-16. Review status: criteria provided, single submitter. Criteria: ACMG Guidelines, 2015. Collection method: clinical testing. Allele origin: germline.

Labcorp Genetics (formerly Invitae), Labcorp
Classification: Uncertain significance. Last evaluated: 2021-11-15. Review status: criteria provided, single submitter. Criteria: Invitae Variant Classification Sherloc (09022015). Collection method: clinical testing. Allele origin: germline.
Comment: This sequence change replaces arginine, which is basic and polar, with histidine, which is basic and polar, at codon 326 of the PCYT1A protein (p.Arg326His). This variant is present in population databases (no rsID available, gnomAD 0.004%). This variant has not been reported in the literature in individuals affected with PCYT1A-related conditions. ClinVar contains an entry for this variant (Variation ID: 1026325). Advanced modeling of protein sequence and biophysical properties (such as structural, functional, and spatial information, amino acid conservation, physicochemical variation, residue mobility, and thermodynamic stability) performed at Invitae indicates that this missense variant is not expected to disrupt PCYT1A protein function. In summary, the available evidence is currently insufficient to determine the role of this variant in disease. Therefore, it has been classified as a Variant of Uncertain Significance.